The following is an entry in ClinVar:

ClinVar aggregate classification (germline): Uncertain significance (1 of 4 stars; one submission).

Allele frequency attached by ClinVar (database versions not stated): TOPMed below 0.00001; ExAC 0.00001; gnomAD 0.00001.
gnomAD v4.1: 60 of 1,604,716 alleles (0.0037%); highest among the groups gnomAD compares: Non-Finnish European, 0.005%; no homozygotes.

Submission:

Labcorp Genetics (formerly Invitae), Labcorp
Classification: Uncertain significance. Last evaluated: 2022-01-08. Review status: criteria provided, single submitter. Criteria: Invitae Variant Classification Sherloc (09022015). Collection method: clinical testing. Allele origin: germline.
Comment: In summary, the available evidence is currently insufficient to determine the role of this variant in disease. Therefore, it has been classified as a Variant of Uncertain Significance. Algorithms developed to predict the effect of sequence changes on RNA splicing suggest that this variant may create or strengthen a splice site. Algorithms developed to predict the effect of missense changes on protein structure and function are either unavailable or do not agree on the potential impact of this missense change (SIFT: "Deleterious"; PolyPhen-2: "Probably Damaging"; Align-GVGD: "Class C0"). This variant has not been reported in the literature in individuals affected with HPGD-related conditions. This variant is present in population databases (rs756055504, gnomAD 0.0009%). This sequence change replaces glycine, which is neutral and non-polar, with serine, which is neutral and polar, at codon 118 of the HPGD protein (p.Gly118Ser).

NM_000860.6(HPGD):c.352G>A (p.Gly118Ser)

Gene: HPGD (15-hydroxyprostaglandin dehydrogenase; minus strand). Cytogenetic location: 4q34.1.
Variant type: single nucleotide variant.
Coding change: c.352G>A on transcript NM_000860.6 (MANE Select); coding-DNA position 352, G replaced by A.
Protein change: p.Gly118Ser; replaces glycine 118 with serine.
Molecular consequence: missense variant. On other transcripts: 5 prime UTR variant (2), intron variant (1).
Genome position (GRCh38, 1-based): chr4:174,508,765, C>T on the plus strand (G>A on the coding strand, the complement: HPGD is on the minus strand). VCF-style: chr4-174508765-C-T. GRCh37 (hg19) VCF-style: chr4-175429916-C-T.
Other names: c.352G>A, p.Gly118Ser (NM_001145816.3, NM_001256305.2, NM_001363574.2); c.-12G>A (NM_001256301.1, NM_001256307.2); c.218-13141G>A (NM_001256306.2); short protein forms G118S.
Identifiers: ClinVar variation 2421297 (VCV002421297.4), dbSNP rs756055504, ClinGen allele CA3142305.